The following is an entry in ClinVar:

NM_000143.4(FH):c.302G>A (p.Arg101Gln)

Gene: FH (fumarate hydratase; minus strand). Cytogenetic location: 1q43.
Variant type: single nucleotide variant.
Coding change: c.302G>A on transcript NM_000143.4 (MANE Select); coding-DNA position 302, G replaced by A.
Protein change: p.Arg101Gln; replaces arginine 101 with glutamine.
Molecular consequence: missense variant.
Genome position (GRCh38, 1-based): chr1:241,513,679, C>T on the plus strand (G>A on the coding strand, the complement: FH is on the minus strand). VCF-style: chr1-241513679-C-T. GRCh37 (hg19) VCF-style: chr1-241676979-C-T.
Other names: short protein forms R101Q.
Identifiers: ClinVar variation 405934 (VCV000405934.28), dbSNP rs75086406, ClinGen allele CA1478716.
Genomic context (GRCh38, chr1:241,513,679, plus strand): 5'-ATTATTGCATTAGCAATCTTTGGATCAAGACCATAATCCTGGTTTACTTCAGCGGCCGCT[C>T]GCTTCAAGATGCCAAAAGCTTTAATAACTGGGGTCTAAAATTAATCAGAAAAATATTTCA-3'
Protein context (NP_000134.2, residues 91-111): PVIKAFGILK[Arg101Gln]AAAEVNQDYG

ClinVar aggregate classification (germline): Conflicting classifications of pathogenicity. Review status: criteria provided, conflicting classifications (1 of 4 stars). 9 submissions from 9 submitters: Uncertain significance (3); Benign (1); Likely benign (4). 1 of the submissions does not count toward it. Last evaluated 2026-04-21.

Conditions:
FH-related disorder. Also called: FH-related condition; FH-related disorders.
Hereditary cancer-predisposing syndrome. Also called: Neoplastic Syndromes, Hereditary; Tumor predisposition; Hereditary Cancer Syndrome; Hereditary neoplastic syndrome. Identifiers: Orphanet 140162, MedGen C0027672, MeSH D009386, MONDO:0015356.
Fumarase deficiency (FMRD). Also called: Fumaric aciduria; Fumarate Hydratase Deficiency. Identifiers: Orphanet 24, MedGen C0342770, MONDO:0011730, OMIM 606812.
Hereditary leiomyomatosis and renal cell cancer. Also called: FH tumor predisposition syndrome; LEIOMYOMA, MULTIPLE CUTANEOUS; MULTIPLE CUTANEOUS AND UTERINE LEIOMYOMATA 1, WITH OR WITHOUT RENAL CELL CARCINOMA; Reed syndrome; Multiple cutaneous and uterine leiomyomatosis; Cutaneous leiomyomata with uterine leiomyomata. Identifiers: Orphanet 523, MedGen C1708350, MONDO:0007888, OMIM 150800, HP:0007437. Disease mechanism: loss of function.

Allele frequency attached by ClinVar (database versions not stated): gnomAD 0.00004 and 0.00006; gnomAD exomes 0.00004 and 0.00012; TOPMed 0.00007; ExAC 0.00014; 1000 Genomes Project 30x 0.00031; 1000 Genomes Project 0.00040.
gnomAD v4.1: 69 of 1,614,038 alleles (0.0043%); highest among the groups gnomAD compares: East Asian, 0.076%; no homozygotes.

Submissions (9):

PreventionGenetics, part of Exact Sciences
Classification: Likely benign for FH-related condition. Last evaluated: 2026-04-21. Review status: criteria provided, single submitter. Criteria: ACMG Guidelines, 2015. Collection method: clinical testing. Allele origin: germline.
Comment: This variant is classified as likely benign based on ACMG/AMP sequence variant interpretation guidelines (Richards et al. 2015 PMID: 25741868, with internal and published modifications).

Labcorp Genetics (formerly Invitae), Labcorp
Classification: Likely benign. Last evaluated: 2026-01-24. Review status: criteria provided, single submitter. Criteria: Invitae Variant Classification Sherloc (09022015). Collection method: clinical testing. Allele origin: germline.

Quest Diagnostics Nichols Institute San Juan Capistrano
Classification: Benign. Last evaluated: 2025-06-30. Review status: criteria provided, single submitter. Criteria: Quest Diagnostics criteria. Collection method: clinical testing. Allele origin: unknown.

Center for Genomic Medicine, Rigshospitalet, Copenhagen University Hospital
Classification: Uncertain significance. Last evaluated: 2025-03-04. Review status: criteria provided, single submitter. Criteria: ACMG Guidelines, 2015. Collection method: clinical testing. Allele origin: germline.

Myriad Genetics, Inc.
Classification: Likely benign for Hereditary leiomyomatosis and renal cell cancer. Last evaluated: 2024-08-14. Review status: criteria provided, single submitter. Criteria: Myriad Autosomal Dominant, Autosomal Recessive and X-Linked Classification Criteria (2023). Collection method: clinical testing. Allele origin: unknown.
Comment: This variant is considered likely benign. This variant has been observed at a population frequency that is significantly greater than expected given the associated disease prevalence and penetrance.

GeneDx
Classification: Uncertain significance. Last evaluated: 2024-05-22. Review status: criteria provided, single submitter. Criteria: GeneDx Variant Classification Process June 2021. Collection method: clinical testing. Allele origin: germline. Affected: yes.
Comment: In silico analysis indicates that this missense variant does not alter protein structure/function; Observed in individuals with renal and other cancers (PMID: 26580448, 30548481, 32019277); This variant is associated with the following publications: (PMID: 28125078, 26580448, 30548481, 32019277, 38376408)

Baylor Genetics
Classification: Uncertain significance for Fumarase deficiency. Last evaluated: 2023-11-26. Review status: criteria provided, single submitter. Criteria: ACMG Guidelines, 2015. Collection method: clinical testing. Allele origin: unknown.

Ambry Genetics
Classification: Likely benign for Hereditary cancer-predisposing syndrome. Last evaluated: 2022-11-04. Review status: criteria provided, single submitter. Criteria: Ambry Variant Classification Scheme 2023. Collection method: clinical testing. Allele origin: germline.

Natera, Inc.
Classification: Uncertain significance for Fumarase Deficiency. Last evaluated: 2020-02-28. Review status: no assertion criteria provided. Collection method: clinical testing. Allele origin: germline. Not counted in ClinVar's aggregate classification.

Literature cited by the submitters: PubMed 30548481 (cited by Quest Diagnostics Nichols Institute San Juan Capistrano and Ambry Genetics); PubMed 33983594 (cited by Quest Diagnostics Nichols Institute San Juan Capistrano); PubMed 32019277 (cited by Quest Diagnostics Nichols Institute San Juan Capistrano); PubMed 26580448 (cited by Quest Diagnostics Nichols Institute San Juan Capistrano).